The following is an entry in ClinVar:

ClinVar aggregate classification (germline): Uncertain significance (1 of 4 stars; one submission).

Submission:

GeneDx
Classification: Uncertain significance. Last evaluated: 2019-05-15. Review status: criteria provided, single submitter. Criteria: GeneDx Variant Classification Process June 2021. Collection method: clinical testing. Allele origin: germline. Affected: yes.
Comment: Not observed in large population cohorts (Lek et al., 2016); In silico analysis, which includes protein predictors and evolutionary conservation, supports that this variant does not alter protein structure/function; This variant is associated with the following publications: (PMID: 27149842)

NM_002907.4(RECQL):c.1435T>C (p.Cys479Arg)

Gene: RECQL (RecQ like helicase; minus strand). Cytogenetic location: 12p12.1.
Variant type: single nucleotide variant.
Coding change: c.1435T>C on transcript NM_002907.4 (MANE Select); coding-DNA position 1435, T replaced by C.
Protein change: p.Cys479Arg; replaces cysteine 479 with arginine.
Molecular consequence: missense variant.
Genome position (GRCh38, 1-based): chr12:21,473,563, A>G on the plus strand (T>C on the coding strand, the complement: RECQL is on the minus strand). VCF-style: chr12-21473563-A-G. GRCh37 (hg19) VCF-style: chr12-21626497-A-G.
Other names: c.1435T>C, p.Cys479Arg (NM_032941.3); short protein forms C479R.
Identifiers: ClinVar variation 1204395 (VCV001204395.3), dbSNP rs2137327835, ClinGen allele CA384117268.